The following is an entry in ClinVar:

ClinVar aggregate classification (germline): Uncertain significance (1 of 4 stars; one submission).

Allele frequency attached by ClinVar (database versions not stated): gnomAD exomes below 0.00001.
gnomAD v4.1: 1 of 1,612,384 alleles (0.000062%); highest among the groups gnomAD compares: Non-Finnish European, 0.000085%; no homozygotes.

Submission:

Labcorp Genetics (formerly Invitae), Labcorp
Classification: Uncertain significance. Last evaluated: 2023-11-04. Review status: criteria provided, single submitter. Criteria: Invitae Variant Classification Sherloc (09022015). Collection method: clinical testing. Allele origin: germline.
Comment: This sequence change replaces glutamic acid, which is acidic and polar, with lysine, which is basic and polar, at codon 1937 of the NIN protein (p.Glu1937Lys). This variant is not present in population databases (gnomAD no frequency). This variant has not been reported in the literature in individuals affected with NIN-related conditions. An algorithm developed to predict the effect of missense changes on protein structure and function (PolyPhen-2) suggests that this variant is likely to be disruptive. In summary, the available evidence is currently insufficient to determine the role of this variant in disease. Therefore, it has been classified as a Variant of Uncertain Significance.

NM_020921.4(NIN):c.5809G>A (p.Glu1937Lys)

Gene: NIN (ninein; minus strand). Cytogenetic location: 14q22.1.
Variant type: single nucleotide variant.
Coding change: c.5809G>A on transcript NM_020921.4 (MANE Select); coding-DNA position 5809, G replaced by A.
Protein change: p.Glu1937Lys; replaces glutamic acid 1937 with lysine.
Molecular consequence: missense variant.
Genome position (GRCh38, 1-based): chr14:50,735,584, C>T on the plus strand (G>A on the coding strand, the complement: NIN is on the minus strand). VCF-style: chr14-50735584-C-T. GRCh37 (hg19) VCF-style: chr14-51202302-C-T.
Other names: c.3670G>A, p.Glu1224Lys (NM_016350.5); c.5809G>A, p.Glu1937Lys (NM_182944.3, NM_182946.2); short protein forms E1937K, E1224K.
Identifiers: ClinVar variation 2693213 (VCV002693213.3), dbSNP rs2040935670, ClinGen allele CA389675324.
Genomic context (GRCh38, chr14:50,735,584, plus strand): 5'-GCTGCTCATCCAGTTTTACTTGTTTCTTTTTCAGGCCTTCATTTTCCAAATGAATTGTTT[C>T]TAATTCTTGTTCAAGGGAATTCATCTGACTGACCTGTTTAAAAAAAACAAAATATTCCCT-3'
Protein context (NP_065972.4, residues 1927-1947): SQMNSLEQEL[Glu1937Lys]TIHLENEGLK